The following is an entry in ClinVar:

ClinVar aggregate classification (germline): Uncertain significance (1 of 4 stars; one submission).

Submission:

Women's Health and Genetics/Laboratory Corporation of America, LabCorp
Classification: Uncertain significance. Last evaluated: 2026-01-12. Review status: criteria provided, single submitter. Criteria: LabCorp Variant Classification Summary - May 2015. Collection method: clinical testing. Allele origin: germline.
Comment: Variant summary: The variant involves the duplication of exons 1-15 in the KCNQ2 gene. A presumed nomenclature of c.(?_-193)_(1763+1_1764-1)dup has been designated for the purposes of this classification. The exact breakpoint at the 5' end of this variant is unknown, therefore this duplication may extend upstream of the annotated region of this gene. It is predicted to duplicate a segment including the initiation codon, therefore its impact on the encoded protein is unknown. The variant was absent in 21694 control chromosomes. The available data on variant occurrences in the general population are insufficient to allow any conclusion about variant significance. To our knowledge, no occurrence of c.(?_-193)_(1763+1_1764-1)dup in individuals affected with KCNQ2-related conditions and no experimental evidence demonstrating its impact on protein function have been reported. ClinVar contains an entry for this variant (Variation ID: 2427476). Based on the evidence outlined above, the variant was classified as uncertain significance.

NC_000020.10:g.(62039890_62044802)_(62104009_?)dup

Gene: KCNQ2 (potassium voltage-gated channel subfamily Q member 2; minus strand). Cytogenetic location: 20q13.33.
Variant type: Duplication.
Identifiers: ClinVar variation 4689487 (VCV004689487.1).